The following is an entry in ClinVar:

NM_000138.5(FBN1):c.6872-15A>G

Gene: FBN1 (fibrillin 1; minus strand). Cytogenetic location: 15q21.1.
Variant type: single nucleotide variant.
Coding change: c.6872-15A>G on transcript NM_000138.5 (MANE Select); 15 bases into the intron before coding-DNA position 6872, A replaced by G.
Molecular consequence: intron variant.
Genome position (GRCh38, 1-based): chr15:48,428,486, T>C on the plus strand (A>G on the coding strand, the complement: FBN1 is on the minus strand). VCF-style: chr15-48428486-T-C. GRCh37 (hg19) VCF-style: chr15-48720683-T-C.
Identifiers: ClinVar variation 1804652 (VCV001804652.1), dbSNP rs1446679289, ClinGen allele CA617833897.

ClinVar aggregate classification (germline): Uncertain significance (1 of 4 stars; one submission).

Allele frequency attached by ClinVar (database versions not stated): gnomAD 0.00001; gnomAD exomes 0.00001.

Submission:

Women's Health and Genetics/Laboratory Corporation of America, LabCorp
Classification: Uncertain significance. Last evaluated: 2022-11-14. Review status: criteria provided, single submitter. Criteria: LabCorp Variant Classification Summary - May 2015. Collection method: clinical testing. Allele origin: germline.
Comment: Variant summary: FBN1 c.6872-15A>G alters a non-conserved nucleotide located close to a canonical splice site and therefore could affect mRNA splicing, leading to a significantly altered protein sequence. Several computational tools predict a significant impact on normal splicing: Two predict the variant weakens a 3' acceptor site. However, these predictions have yet to be confirmed by functional studies. The variant allele was found at a frequency of 4e-06 in 251228 control chromosomes. The available data on variant occurrences in the general population are insufficient to allow any conclusion about variant significance. To our knowledge, no occurrence of c.6872-15A>G in individuals affected with Marfan Syndrome and no experimental evidence demonstrating its impact on protein function have been reported. No clinical diagnostic laboratories have submitted clinical-significance assessments for this variant to ClinVar after 2014. Based on the evidence outlined above, the variant was classified as uncertain significance.